The following is an entry in ClinVar:

NM_000168.6(GLI3):c.1177A>G (p.Ile393Val)

Gene: GLI3 (GLI family zinc finger 3; minus strand). Cytogenetic location: 7p14.1.
Variant type: single nucleotide variant.
Coding change: c.1177A>G on transcript NM_000168.6 (MANE Select); coding-DNA position 1177, A replaced by G.
Protein change: p.Ile393Val; replaces isoleucine 393 with valine.
Molecular consequence: missense variant.
Genome position (GRCh38, 1-based): chr7:42,026,264, T>C on the plus strand (A>G on the coding strand, the complement: GLI3 is on the minus strand). VCF-style: chr7-42026264-T-C. GRCh37 (hg19) VCF-style: chr7-42065863-T-C.
Other names: short protein forms I393V.
Identifiers: ClinVar variation 459206 (VCV000459206.9), dbSNP rs1380213537, ClinGen allele CA367326398.

ClinVar aggregate classification (germline): Uncertain significance (1 of 4 stars; one submission).

Conditions:
Pallister-Hall syndrome (PHS). Also called: HYPOTHALAMIC HAMARTOBLASTOMA, HYPOPITUITARISM, IMPERFORATE ANUS, AND POSTAXIAL POLYDACTYLY; GLI3-Related Pallister-Hall Syndrome. Identifiers: Orphanet 672, MedGen C0265220, MONDO:0007804, OMIM 146510.
Greig cephalopolysyndactyly syndrome (GCPS). Also called: POLYSYNDACTYLY WITH PECULIAR SKULL SHAPE; GLI3-Related Greig Cephalopolysyndactyly Syndrome; Greig syndrome. Identifiers: Orphanet 380, MedGen C0265306, MONDO:0008287, OMIM 175700.

Allele frequency attached by ClinVar (database versions not stated): TOPMed 0.00002.

Submission:

Labcorp Genetics (formerly Invitae), Labcorp
Classification: Uncertain significance for Pallister-Hall syndrome; Greig cephalopolysyndactyly syndrome. Last evaluated: 2024-06-14. Review status: criteria provided, single submitter. Criteria: Invitae Variant Classification Sherloc (09022015). Collection method: clinical testing. Allele origin: germline.
Comment: This sequence change replaces isoleucine, which is neutral and non-polar, with valine, which is neutral and non-polar, at codon 393 of the GLI3 protein (p.Ile393Val). This variant is not present in population databases (gnomAD no frequency). This variant has not been reported in the literature in individuals affected with GLI3-related conditions. ClinVar contains an entry for this variant (Variation ID: 459206). Advanced modeling of protein sequence and biophysical properties (such as structural, functional, and spatial information, amino acid conservation, physicochemical variation, residue mobility, and thermodynamic stability) performed at Invitae indicates that this missense variant is not expected to disrupt GLI3 protein function with a negative predictive value of 80%. In summary, the available evidence is currently insufficient to determine the role of this variant in disease. Therefore, it has been classified as a Variant of Uncertain Significance.